The following is an entry in ClinVar:

NM_017882.3(CLN6):c.710C>T (p.Thr237Ile)

Gene: CLN6 (CLN6 transmembrane ER protein; minus strand). Cytogenetic location: 15q23.
Variant type: single nucleotide variant.
Coding change: c.710C>T on transcript NM_017882.3 (MANE Select); coding-DNA position 710, C replaced by T.
Protein change: p.Thr237Ile; replaces threonine 237 with isoleucine.
Molecular consequence: missense variant.
Genome position (GRCh38, 1-based): chr15:68,208,366, G>A on the plus strand (C>T on the coding strand, the complement: CLN6 is on the minus strand). VCF-style: chr15-68208366-G-A. GRCh37 (hg19) VCF-style: chr15-68500704-G-A.
Other names: c.806C>T, p.Thr269Ile (NM_001411068.1); short protein forms T237I, T269I.
Identifiers: ClinVar variation 3336084 (VCV003336084.1).

ClinVar aggregate classification (germline): Uncertain significance (1 of 4 stars; one submission).

gnomAD v4.1: 12 of 1,613,856 alleles (0.00074%); highest among the groups gnomAD compares: Non-Finnish European, 0.001%; no homozygotes.

Submission:

Women's Health and Genetics/Laboratory Corporation of America, LabCorp
Classification: Uncertain significance. Last evaluated: 2024-05-08. Review status: criteria provided, single submitter. Criteria: LabCorp Variant Classification Summary - May 2015. Collection method: clinical testing. Allele origin: germline.
Comment: Variant summary: CLN6 c.710C>T (p.Thr237Ile) results in a non-conservative amino acid change in the encoded protein sequence. Five of five in-silico tools predict a damaging effect of the variant on protein function. The variant allele was found at a frequency of 4e-06 in 250960 control chromosomes. c.710C>T has been reported in the literature in at least one homozygous individual affected with Neuronal Ceroid-Lipofuscinosis (Batten Disease) (e.g. Panjeshahi_2023). These data indicate that the variant may be associated with disease. To our knowledge, no experimental evidence demonstrating an impact on protein function has been reported. The following publication has been ascertained in the context of this evaluation (PMID: 37074398). No submitters have cited clinical-significance assessments for this variant to ClinVar. Based on the evidence outlined above, the variant was classified as VUS-possibly pathogenic.

Literature cited by the submitters: PubMed 37074398.